The following is an entry in ClinVar:

NM_001385001.1(MCTP2):c.2471-9A>G

Gene: MCTP2 (multiple C2 and transmembrane domain containing 2; plus strand). Cytogenetic location: 15q26.2.
Variant type: single nucleotide variant.
Coding change: c.2471-9A>G on transcript NM_001385001.1 (MANE Select); 9 bases into the intron before coding-DNA position 2471, A replaced by G.
Molecular consequence: intron variant.
Genome position (GRCh38, 1-based): chr15:94,476,687, A>G. VCF-style: chr15-94476687-A-G. GRCh37 (hg19) VCF-style: chr15-95019916-A-G.
Other names: c.2471-9A>G (NM_001385002.1, NM_001385003.1, NM_018349.4); c.2189-9A>G (NM_001385007.1); c.2306-9A>G (NM_001159643.2, NM_001385004.1); c.2429-9A>G (NM_001385005.1); c.2348-9A>G (NM_001385006.1); c.1973-9A>G (NM_001385009.1); c.1808-9A>G (NM_001385010.1).
Identifiers: ClinVar variation 3055474 (VCV003055474.2), dbSNP rs74029268, ClinGen allele CA7750524.

ClinVar aggregate classification (germline): Benign (0 of 4 stars; one submission).

Conditions:
MCTP2-related disorder. Also called: MCTP2-related condition.

Allele frequency attached by ClinVar (database versions not stated): gnomAD exomes 0.01593; ExAC 0.03961; ESP Exome Variant Server 0.04511; TOPMed 0.05058; gnomAD 0.05154; 1000 Genomes Project 30x 0.08698; 1000 Genomes Project 0.08726.
gnomAD v4.1: 28,511 of 1,433,116 alleles (2%); highest among the groups gnomAD compares: African/African-American, 12%; 1,444 homozygotes.

Submission:

PreventionGenetics, part of Exact Sciences
Classification: Benign for MCTP2-related condition. Last evaluated: 2019-02-21. Review status: no assertion criteria provided. Collection method: clinical testing. Allele origin: germline.
Comment: This variant is classified as benign based on ACMG/AMP sequence variant interpretation guidelines (Richards et al. 2015 PMID: 25741868, with internal and published modifications).